The following is an entry in ClinVar:

NM_001252102.2(KIF21B):c.862G>T (p.Glu288Ter)

Gene: KIF21B (kinesin family member 21B; minus strand). Cytogenetic location: 1q32.1.
Variant type: single nucleotide variant.
Coding change: c.862G>T on transcript NM_001252102.2 (MANE Select); coding-DNA position 862, G replaced by T.
Protein change: p.Glu288Ter; replaces glutamic acid 288 with a stop codon.
Molecular consequence: nonsense.
Genome position (GRCh38, 1-based): chr1:201,004,804, C>A on the plus strand (G>T on the coding strand, the complement: KIF21B is on the minus strand). VCF-style: chr1-201004804-C-A. GRCh37 (hg19) VCF-style: chr1-200973932-C-A.
Other names: c.862G>T, p.Glu288Ter (NM_001252100.2, NM_001252103.2, NM_017596.4); short protein forms E288*.
Identifiers: ClinVar variation 3390489 (VCV003390489.1).

ClinVar aggregate classification (germline): Uncertain significance (1 of 4 stars; one submission).

Submission:

GeneDx
Classification: Uncertain significance. Last evaluated: 2024-06-14. Review status: criteria provided, single submitter. Criteria: GeneDx Variant Classification Process June 2021. Collection method: clinical testing. Allele origin: germline. Affected: yes.
Comment: Nonsense variant predicted to result in protein truncation or nonsense mediated decay in a gene or region of a gene for which loss of function is not a well-established mechanism of disease; Not observed at significant frequency in large population cohorts (gnomAD); Has not been previously published as pathogenic or benign to our knowledge